The following is an entry in ClinVar:

ClinVar aggregate classification (germline): Uncertain significance (1 of 4 stars; one submission).

Conditions:
Hereditary cancer-predisposing syndrome. Also called: Hereditary Cancer Syndrome; Tumor predisposition; Neoplastic Syndromes, Hereditary; Hereditary neoplastic syndrome. Identifiers: Orphanet 140162, MedGen C0027672, MeSH D009386, MONDO:0015356.

Submission:

Ambry Genetics
Classification: Uncertain significance for Hereditary cancer-predisposing syndrome. Last evaluated: 2026-02-17. Review status: criteria provided, single submitter. Criteria: Ambry Variant Classification Scheme 2023. Collection method: clinical testing. Allele origin: germline.
Comment: The p.K323N variant (also known as c.969A>T), located in coding exon 7 of the POLD1 gene, results from an A to T substitution at nucleotide position 969. The lysine at codon 323 is replaced by asparagine, an amino acid with similar properties. This amino acid position is highly conserved in available vertebrate species. In addition, this alteration is predicted to be tolerated by in silico analysis. Based on the available evidence, the clinical significance of this variant remains unclear.

NM_002691.4(POLD1):c.969A>T (p.Lys323Asn)

Gene: POLD1 (DNA polymerase delta 1, catalytic subunit; plus strand). Cytogenetic location: 19q13.33.
Variant type: single nucleotide variant.
Coding change: c.969A>T on transcript NM_002691.4 (MANE Select); coding-DNA position 969, A replaced by T.
Protein change: p.Lys323Asn; replaces lysine 323 with asparagine.
Molecular consequence: missense variant. On other transcripts: non-coding transcript variant (1).
Genome position (GRCh38, 1-based): chr19:50,402,740, A>T. VCF-style: chr19-50402740-A-T. GRCh37 (hg19) VCF-style: chr19-50905997-A-T.
Other names: c.969A>T, p.Lys323Asn (NM_001256849.1, NM_001308632.1); short protein forms K323N.
Identifiers: ClinVar variation 823405 (VCV000823405.5), dbSNP rs1601203011, ClinGen allele CA406977487.
Genomic context (GRCh38, chr19:50,402,740, plus strand): 5'-ATGGCAGCGCATTGCGCCCTTGCGCGTGCTCAGCTTCGATATCGAGTGCGCCGGCCGCAA[A>T]GGTCTGTCCCCGGGCCCGGGCTCCTGCCCGCCTCATTGATGTGCCAAGTCGGGGGTCGGA-3'
Protein context (NP_002682.2, residues 313-333): LSFDIECAGR[Lys323Asn]GIFPEPERDP